The following is an entry in ClinVar:

ClinVar aggregate classification (germline): Likely pathogenic (1 of 4 stars; one submission).

Conditions:
Brain small vessel disease 1 with or without ocular anomalies (BSVD1). Also called: Brain small vessel disease with or without ocular anomalies; GOULD SYNDROME 1; BRAIN SMALL VESSEL DISEASE WITH HEMORRHAGE; PORENCEPHALY, TYPE 1, AUTOSOMAL DOMINANT. Identifiers: Orphanet 2940, Orphanet 36383, Orphanet 99810, MedGen C4755307, MONDO:0008289, OMIM 175780.

Submission:

Institute of Human Genetics, University of Leipzig Medical Center
Classification: Likely pathogenic for Brain small vessel disease 1 with or without ocular anomalies. Last evaluated: 2024-08-19. Review status: criteria provided, single submitter. Criteria: ACMG Guidelines, 2015. Collection method: clinical testing. Allele origin: paternal. Inheritance: Autosomal dominant inheritance. Affected: yes.
Comment: Criteria applied: PM1_STR,PM2,PP3,PP4

NM_001845.6(COL4A1):c.3397G>A (p.Gly1133Arg)

Gene: COL4A1 (collagen type IV alpha 1 chain; minus strand). Cytogenetic location: 13q34.
Variant type: single nucleotide variant.
Coding change: c.3397G>A on transcript NM_001845.6 (MANE Select); coding-DNA position 3397, G replaced by A.
Protein change: p.Gly1133Arg; replaces glycine 1133 with arginine.
Molecular consequence: missense variant.
Genome position (GRCh38, 1-based): chr13:110,174,455, C>T on the plus strand (G>A on the coding strand, the complement: COL4A1 is on the minus strand). VCF-style: chr13-110174455-C-T. GRCh37 (hg19) VCF-style: chr13-110826802-C-T.
Other names: short protein forms G1133R.
Identifiers: ClinVar variation 2691895 (VCV002691895.3), dbSNP rs2501770185, ClinGen allele CA388664337.